The following is an entry in ClinVar:

NM_000038.6(APC):c.1861A>T (p.Thr621Ser)

Gene: APC (APC regulator of Wnt signaling pathway; plus strand). Cytogenetic location: 5q22.2.
Variant type: single nucleotide variant.
Coding change: c.1861A>T on transcript NM_000038.6 (MANE Select); coding-DNA position 1861, A replaced by T.
Protein change: p.Thr621Ser; replaces threonine 621 with serine.
Molecular consequence: missense variant.
Genome position (GRCh38, 1-based): chr5:112,835,068, A>T. VCF-style: chr5-112835068-A-T. GRCh37 (hg19) VCF-style: chr5-112170765-A-T.
Other names: c.1861A>T, p.Thr621Ser (NM_001127510.3, NM_001354895.2, NM_001407450.1); c.1807A>T, p.Thr603Ser (NM_001127511.3); c.1915A>T, p.Thr639Ser (NM_001354896.2, NM_001407447.1, NM_001407448.1 and 1 more transcripts); c.1891A>T, p.Thr631Ser (NM_001354897.2); c.1786A>T, p.Thr596Ser (NM_001354898.2); c.1777A>T, p.Thr593Ser (NM_001354899.2); c.1738A>T, p.Thr580Ser (NM_001354900.2); c.1684A>T, p.Thr562Ser (NM_001354901.2, NM_001407453.1); and 12 more; short protein forms T237S, T338S, T461S, T492S, T495S, T520S, T530S, T538S.
Identifiers: ClinVar variation 1718045 (VCV001718045.7), dbSNP rs2149842855, ClinGen allele CA16025392.

ClinVar aggregate classification (germline): Uncertain significance. Review status: criteria provided, multiple submitters, no conflicts (2 of 4 stars). 2 submissions from 2 submitters: Uncertain significance (2). Last evaluated 2026-06-16.

Conditions:
Hereditary cancer-predisposing syndrome. Also called: Tumor predisposition; Hereditary neoplastic syndrome; Neoplastic Syndromes, Hereditary; Hereditary Cancer Syndrome. Identifiers: Orphanet 140162, MedGen C0027672, MeSH D009386, MONDO:0015356.
Familial adenomatous polyposis 1 (FAP1). Also called: POLYPOSIS, ADENOMATOUS INTESTINAL; FAMILIAL ADENOMATOUS POLYPOSIS 1, ATTENUATED. Identifiers: MedGen C2713442, MONDO:0021056, OMIM 175100. Disease mechanism: loss of function.

Submissions (2):

Ambry Genetics
Classification: Uncertain significance for Hereditary cancer-predisposing syndrome. Last evaluated: 2026-06-16. Review status: criteria provided, single submitter. Criteria: Ambry Variant Classification Scheme 2023. Collection method: clinical testing. Allele origin: germline.
Comment: The p.T621S variant (also known as c.1861A>T), located in coding exon 14 of the APC gene, results from an A to T substitution at nucleotide position 1861. The threonine at codon 621 is replaced by serine, an amino acid with similar properties. This amino acid position is conserved. In addition, in silico predictors for this gene do not accurately predict pathogenicity. Based on the available evidence, the clinical significance of this variant remains unclear.

Labcorp Genetics (formerly Invitae), Labcorp
Classification: Uncertain significance for Familial adenomatous polyposis 1. Last evaluated: 2022-08-27. Review status: criteria provided, single submitter. Criteria: Invitae Variant Classification Sherloc (09022015). Collection method: clinical testing. Allele origin: germline.
Comment: This variant is not present in population databases (gnomAD no frequency). This sequence change replaces threonine, which is neutral and polar, with serine, which is neutral and polar, at codon 621 of the APC protein (p.Thr621Ser). In summary, the available evidence is currently insufficient to determine the role of this variant in disease. Therefore, it has been classified as a Variant of Uncertain Significance. Algorithms developed to predict the effect of missense changes on protein structure and function (SIFT, PolyPhen-2, Align-GVGD) all suggest that this variant is likely to be tolerated. This variant has not been reported in the literature in individuals affected with APC-related conditions.